The following is an entry in ClinVar:

NM_000722.4(CACNA2D1):c.1507C>T (p.Arg503Cys)

Gene: CACNA2D1 (calcium voltage-gated channel auxiliary subunit alpha2delta 1; minus strand). Cytogenetic location: 7q21.11.
Variant type: single nucleotide variant.
Coding change: c.1507C>T on transcript NM_000722.4 (MANE Select); coding-DNA position 1507, C replaced by T.
Protein change: p.Arg503Cys; replaces arginine 503 with cysteine.
Molecular consequence: missense variant.
Genome position (GRCh38, 1-based): chr7:82,005,773, G>A on the plus strand (C>T on the coding strand, the complement: CACNA2D1 is on the minus strand). VCF-style: chr7-82005773-G-A. GRCh37 (hg19) VCF-style: chr7-81635089-G-A.
Other names: c.1507C>T, p.Arg503Cys (NM_001366867.1); short protein forms R503C.
Identifiers: ClinVar variation 1774110 (VCV001774110.4), dbSNP rs76684172, ClinGen allele CA4318028.
Genomic context (GRCh38, chr7:82,005,773, plus strand): 5'-AGTACAGAGTTCTAAACTAGAAAGGGTATCAAAAGAGCAAATTTCATCTTACTGTAAAAC[G>A]TGGTGTCAGTCTTTTAATATCTTCCAAAGACACATCTACTCCCATCACACCAAGAATCAG-3'
Protein context (NP_000713.2, residues 493-513): SLEDIKRLTP[Arg503Cys]FTLCPNGYYF

ClinVar aggregate classification (germline): Uncertain significance. Review status: criteria provided, multiple submitters, no conflicts (2 of 4 stars). 2 submissions from 2 submitters: Uncertain significance (2). Last evaluated 2025-10-06.

Conditions:
Brugada syndrome. Also called: Sudden unexpected nocturnal death syndrome; Sudden unexplained nocturnal death syndrome; Sudden Unexplained Death Syndrome; Sudden Unexplained Nocturnal Death Syndrome (SUNDS). Identifiers: Orphanet 130, MedGen C1142166, MONDO:0015263.
Cardiovascular phenotype. Identifiers: MedGen CN230736.

Allele frequency attached by ClinVar (database versions not stated): gnomAD 0.00001; TOPMed 0.00004; ExAC 0.00005.
gnomAD v4.1: 22 of 1,587,758 alleles (0.0014%); highest among the groups gnomAD compares: Admixed American, 0.023%; no homozygotes.

Submissions (2):

Labcorp Genetics (formerly Invitae), Labcorp
Classification: Uncertain significance for Brugada syndrome. Last evaluated: 2025-10-06. Review status: criteria provided, single submitter. Criteria: Invitae Variant Classification Sherloc (09022015). Collection method: clinical testing. Allele origin: germline.
Comment: This sequence change replaces arginine, which is basic and polar, with cysteine, which is neutral and slightly polar, at codon 503 of the CACNA2D1 protein (p.Arg503Cys). This variant is present in population databases (rs76684172, gnomAD 0.04%). This variant has not been reported in the literature in individuals affected with CACNA2D1-related conditions. ClinVar contains an entry for this variant (Variation ID: 1774110). Experimental studies and prediction algorithms are not available or were not evaluated, and the functional significance of this variant is currently unknown. In summary, the available evidence is currently insufficient to determine the role of this variant in disease. Therefore, it has been classified as a Variant of Uncertain Significance.

Ambry Genetics
Classification: Uncertain significance for Cardiovascular phenotype. Last evaluated: 2021-07-18. Review status: criteria provided, single submitter. Criteria: Ambry Variant Classification Scheme 2023. Collection method: clinical testing. Allele origin: germline.
Comment: The p.R503C variant (also known as c.1507C>T), located in coding exon 17 of the CACNA2D1 gene, results from a C to T substitution at nucleotide position 1507. The arginine at codon 503 is replaced by cysteine, an amino acid with highly dissimilar properties. This amino acid position is conserved. In addition, the in silico prediction for this alteration is inconclusive. Since supporting evidence is limited at this time, the clinical significance of this alteration remains unclear.